The following is an entry in ClinVar:

NM_003334.4(UBA1):c.2869C>T (p.Arg957Cys)

Gene: UBA1 (ubiquitin like modifier activating enzyme 1; plus strand). Cytogenetic location: Xp11.3.
Variant type: single nucleotide variant.
Coding change: c.2869C>T on transcript NM_003334.4 (MANE Select); coding-DNA position 2869, C replaced by T.
Protein change: p.Arg957Cys; replaces arginine 957 with cysteine.
Molecular consequence: missense variant.
Genome position (GRCh38, 1-based): chrX:47,214,357, C>T. VCF-style: chrX-47214357-C-T. GRCh37 (hg19) VCF-style: chrX-47073756-C-T.
Other names: c.2869C>T, p.Arg957Cys (NM_153280.3); short protein forms R957C.
Identifiers: ClinVar variation 1362670 (VCV001362670.6), dbSNP rs781997101, ClinGen allele CA10396220.
Genomic context (GRCh38, chrX:47,214,357, plus strand): 5'-CCATCTTACACTCCCCTCTTTGTCTTGCAGTACTATAACCAAGAGTGGACATTGTGGGAT[C>T]GCTTTGAGGTACAAGGGCTGCAGCCTAATGGTGAGGAGATGACCCTCAAACAGTTCCTCG-3'
Protein context (NP_003325.2, residues 947-967): YYNQEWTLWD[Arg957Cys]FEVQGLQPNG

ClinVar aggregate classification (germline): Uncertain significance (1 of 4 stars; one submission).

Conditions:
Infantile-onset X-linked spinal muscular atrophy. Also called: SPINAL MUSCULAR ATROPHY, X-LINKED LETHAL INFANTILE; AMC, DISTAL, X-LINKED; ARTHROGRYPOSIS, X-LINKED, TYPE I; Spinal Muscular Atrophy, X-Linked Infantile; Spinal muscular atrophy, X-linked 2. Identifiers: Orphanet 1145, MedGen C1844934, MONDO:0010532, OMIM 301830.

Allele frequency attached by ClinVar (database versions not stated): ExAC 0.00001; gnomAD exomes 0.00001 and 0.00002.
gnomAD v4.1: 18 of 1,210,883 alleles (0.0015%); highest among the groups gnomAD compares: Non-Finnish European, 0.0016%; no homozygotes.

Submission:

Labcorp Genetics (formerly Invitae), Labcorp
Classification: Uncertain significance for Infantile-onset X-linked spinal muscular atrophy. Last evaluated: 2021-10-12. Review status: criteria provided, single submitter. Criteria: Invitae Variant Classification Sherloc (09022015). Collection method: clinical testing. Allele origin: germline.
Comment: In summary, the available evidence is currently insufficient to determine the role of this variant in disease. Therefore, it has been classified as a Variant of Uncertain Significance. Algorithms developed to predict the effect of missense changes on protein structure and function (SIFT, PolyPhen-2, Align-GVGD) all suggest that this variant is likely to be disruptive. This variant has not been reported in the literature in individuals affected with UBA1-related conditions. This variant is present in population databases (rs781997101, ExAC 0.002%). This sequence change replaces arginine with cysteine at codon 957 of the UBA1 protein (p.Arg957Cys). The arginine residue is highly conserved and there is a large physicochemical difference between arginine and cysteine.